The following is an entry in ClinVar:

ClinVar aggregate classification (germline): Benign (0 of 4 stars; one submission).

Conditions:
SALL2-related disorder. Also called: SALL2-related condition.

Allele frequency attached by ClinVar (database versions not stated): ESP Exome Variant Server 0.00199; gnomAD 0.00216; TOPMed 0.00252; 1000 Genomes Project 0.00359; 1000 Genomes Project 30x 0.00515.
gnomAD v4.1: 641 of 1,539,574 alleles (0.042%); highest among the groups gnomAD compares: African/African-American, 0.76%; 2 homozygotes.

Submission:

PreventionGenetics, part of Exact Sciences
Classification: Benign for SALL2-related condition. Last evaluated: 2020-05-19. Review status: no assertion criteria provided. Collection method: clinical testing. Allele origin: germline.
Comment: This variant is classified as benign based on ACMG/AMP sequence variant interpretation guidelines (Richards et al. 2015 PMID: 25741868, with internal and published modifications).

NM_001364564.1(SALL2):c.23G>A (p.Ser8Asn)

Gene: SALL2 (spalt like transcription factor 2; minus strand). Cytogenetic location: 14q11.2.
Variant type: single nucleotide variant.
Coding change: c.23G>A on transcript NM_001364564.1 (MANE Select); coding-DNA position 23, G replaced by A.
Protein change: p.Ser8Asn; replaces serine 8 with asparagine.
Molecular consequence: missense variant. On other transcripts: non-coding transcript variant (1), intron variant (2).
Genome position (GRCh38, 1-based): chr14:21,526,105, C>T on the plus strand (G>A on the coding strand, the complement: SALL2 is on the minus strand). VCF-style: chr14-21526105-C-T. GRCh37 (hg19) VCF-style: chr14-21994239-C-T.
Other names: c.23G>A, p.Ser8Asn (NM_001291447.2); c.74-451G>A (NM_001291446.2, NM_005407.3); short protein forms S8N.
Identifiers: ClinVar variation 3050905 (VCV003050905.2), dbSNP rs368866833, ClinGen allele CA7093959.